The following is an entry in ClinVar:

NM_032730.5(RTN4IP1):c.455A>G (p.Gln152Arg)

Gene: RTN4IP1 (reticulon 4 interacting protein 1; minus strand). Cytogenetic location: 6q21.
Variant type: single nucleotide variant.
Coding change: c.455A>G on transcript NM_032730.5 (MANE Select); coding-DNA position 455, A replaced by G.
Protein change: p.Gln152Arg; replaces glutamine 152 with arginine.
Molecular consequence: missense variant.
Genome position (GRCh38, 1-based): chr6:106,621,465, T>C on the plus strand (A>G on the coding strand, the complement: RTN4IP1 is on the minus strand). VCF-style: chr6-106621465-T-C. GRCh37 (hg19) VCF-style: chr6-107069340-T-C.
Other names: c.155A>G, p.Gln52Arg (NM_001318746.1); short protein forms Q152R, Q52R.
Identifiers: ClinVar variation 1483715 (VCV001483715.8), dbSNP rs1201771306, ClinGen allele CA365165202.

ClinVar aggregate classification (germline): Uncertain significance (1 of 4 stars; one submission).

Allele frequency attached by ClinVar (database versions not stated): gnomAD exomes below 0.00001.
gnomAD v4.1: 2 of 1,614,006 alleles (0.00012%); highest among the groups gnomAD compares: South Asian, 0.0022%; no homozygotes.

Submission:

Labcorp Genetics (formerly Invitae), Labcorp
Classification: Uncertain significance. Last evaluated: 2021-04-13. Review status: criteria provided, single submitter. Criteria: Invitae Variant Classification Sherloc (09022015). Collection method: clinical testing. Allele origin: germline.
Comment: This variant has not been reported in the literature in individuals with RTN4IP1-related conditions. This variant is not present in population databases (ExAC no frequency). This sequence change replaces glutamine with arginine at codon 152 of the RTN4IP1 protein (p.Gln152Arg). The glutamine residue is moderately conserved and there is a small physicochemical difference between glutamine and arginine. Algorithms developed to predict the effect of missense changes on protein structure and function are either unavailable or do not agree on the potential impact of this missense change (SIFT: "Tolerated"; PolyPhen-2: "Probably Damaging"; Align-GVGD: "Class C0"). In summary, the available evidence is currently insufficient to determine the role of this variant in disease. Therefore, it has been classified as a Variant of Uncertain Significance.